The following is an entry in ClinVar:

ClinVar aggregate classification (germline): Conflicting classifications of pathogenicity. Review status: criteria provided, conflicting classifications (1 of 4 stars). 6 submissions from 6 submitters: Likely pathogenic (3); Uncertain significance (2). 1 of the submissions does not count toward it. Last evaluated 2025-06-15.

Conditions:
Charcot-Marie-Tooth disease, type IA (CMT1A). Also called: Charcot-Marie-Tooth disease type 1A; CMT 1A; Hereditary motor and sensory neuropathy 1A; HMSN 1A; CHARCOT-MARIE-TOOTH DISEASE, DEMYELINATING, TYPE 1A; CHARCOT-MARIE-TOOTH DISEASE, AUTOSOMAL DOMINANT, WITH FOCALLY FOLDED MYELIN SHEATHS, TYPE 1A. Identifiers: Orphanet 101081, MedGen C0270911, MONDO:0007309, OMIM 118220.
PMP22-related disorder. Also called: PMP22-related disorders; PMP22-related condition.
Charcot-Marie-Tooth disease. Also called: Charcot-Marie-Tooth Hereditary Neuropathy; Charcot-Marie-Tooth Neuropathy. Identifiers: Orphanet 166, MedGen C0007959, MONDO:0015626.
Charcot-Marie-Tooth disease, type I (CMT1). Also called: Charcot-Marie-Tooth, Type 1; Charcot-Marie-Tooth disease type 1. Identifiers: Orphanet 65753, MedGen C0751036, MONDO:0019011.

Submissions (6):

Labcorp Genetics (formerly Invitae), Labcorp
Classification: Uncertain significance for Charcot-Marie-Tooth disease, type I. Last evaluated: 2025-06-15. Review status: criteria provided, single submitter. Criteria: Invitae Variant Classification Sherloc (09022015). Collection method: clinical testing. Allele origin: germline.
Comment: This sequence change replaces serine, which is neutral and polar, with cysteine, which is neutral and slightly polar, at codon 131 of the PMP22 protein (p.Ser131Cys). This variant is not present in population databases (gnomAD no frequency). This missense change has been observed in individuals with PMP22-related conditions (PMID: 21194947, 32376792; internal data). It has also been observed to segregate with disease in related individuals. ClinVar contains an entry for this variant (Variation ID: 637835). An algorithm developed to predict the effect of missense changes on protein structure and function (PolyPhen-2) suggests that this variant is likely to be disruptive. In summary, the available evidence is currently insufficient to determine the role of this variant in disease. Therefore, it has been classified as a Variant of Uncertain Significance.

Blueprint Genetics
Classification: Likely pathogenic for PMP22-related disorders. Last evaluated: 2024-10-04. Review status: criteria provided, single submitter. Criteria: ACMG Guidelines, 2015. Collection method: clinical testing. Allele origin: germline. Affected: yes. Observed: 1 variant allele.

GeneDx
Classification: Uncertain significance. Last evaluated: 2024-07-27. Review status: criteria provided, single submitter. Criteria: GeneDx Variant Classification Process June 2021. Collection method: clinical testing. Allele origin: germline. Affected: yes.
Comment: In silico analysis supports that this missense variant has a deleterious effect on protein structure/function; Not observed at significant frequency in large population cohorts (gnomAD); This variant is associated with the following publications: (PMID: 25802885, Brown2014[CaseReport], 32376792, 21194947)

Concord Molecular Medicine Laboratory, Concord Repatriation General Hospital
Classification: Likely pathogenic for Charcot-Marie-Tooth disease, type IA. Last evaluated: 2023-08-23. Review status: criteria provided, single submitter. Criteria: ACMG Guidelines, 2015. Collection method: clinical testing. Allele origin: germline. Affected: yes. Observed: 1 heterozygote.
Comment: This variant has been reported to segregate with autosomal dominant CMT with variable phenotypes including mild form of CMT with intermediate nerve conduction, HNPP (PMID: 21194947) and DSS (in house data) in multiple individuals in two unrelated families. The variant is not present in control population (gnomAD). In silico analysis by REVEL suggests this variant to be damaging (REVEL:0.652). ClinVar contains an entry for this variant (Variation ID: 637835), with conflicting interpretation (likely pathogenic/variant of uncertain significance). The current evidence allows a classification of the variant as Likely pathogenic (ACMG criteria: PP1_strong, PM2_supporting, PP3).

Molecular Genetics Laboratory, London Health Sciences Centre
Classification: Likely pathogenic for Charcot-Marie-Tooth disease. Review status: criteria provided, single submitter. Criteria: ACMG Guidelines, 2015. Collection method: clinical testing. Allele origin: germline. Affected: yes.

Inherited Neuropathy Consortium
Classification: Uncertain significance for Charcot-Marie-Tooth disease. Review status: no assertion criteria provided. Collection method: literature only. Allele origin: germline. Affected: yes. Not counted in ClinVar's aggregate classification.

Literature cited by the submitters: PubMed 21194947 (cited by Labcorp Genetics (formerly Invitae), Labcorp and Inherited Neuropathy Consortium); PubMed 32376792 (cited by Labcorp Genetics (formerly Invitae), Labcorp).

NM_000304.4(PMP22):c.392C>G (p.Ser131Cys)

Gene: PMP22 (peripheral myelin protein 22; minus strand). Cytogenetic location: 17p12.
Variant type: single nucleotide variant.
Coding change: c.392C>G on transcript NM_000304.4 (MANE Select); coding-DNA position 392, C replaced by G.
Protein change: p.Ser131Cys; replaces serine 131 with cysteine.
Molecular consequence: missense variant. On other transcripts: non-coding transcript variant (2).
Genome position (GRCh38, 1-based): chr17:15,231,008, G>C on the plus strand (C>G on the coding strand, the complement: PMP22 is on the minus strand). VCF-style: chr17-15231008-G-C. GRCh37 (hg19) VCF-style: chr17-15134325-G-C.
Other names: c.392C>G, p.Ser131Cys (NM_001281455.2, NM_001281456.2, NM_153321.3 and 1 more transcripts); c.392C>G (NM_000304.2); short protein forms S131C.
Identifiers: ClinVar variation 637835 (VCV000637835.13), dbSNP rs1597597627, ClinGen allele CA398739650.